The following is an entry in ClinVar:

NM_020866.3(KLHL1):c.-540C>G

Genes: ATXN8OS (ATXN8 opposite strand lncRNA; plus strand), KLHL1 (kelch like family member 1; minus strand). Cytogenetic location: 13q21.33.
Variant type: single nucleotide variant.
Coding change: c.-540C>G on transcript NM_020866.3 (MANE Select); 540 bases upstream of the start codon, C replaced by G.
Molecular consequence: 5 prime UTR variant. On other transcripts: non-coding transcript variant (3).
Genome position (GRCh38, 1-based): chr13:70,108,239, G>C on the plus strand (C>G on the coding strand, the complement: KLHL1 is on the minus strand). VCF-style: chr13-70108239-G-C. GRCh37 (hg19) VCF-style: chr13-70682371-G-C.
Other names: c.-540C>G (NM_001286725.2).
Identifiers: ClinVar variation 4872386 (VCV004872386.2).
Genomic context (GRCh38, chr13:70,108,239, plus strand): 5'-AGTGTCTGGAGAGCGCAGAGAGAAAGAGCCCCAAGTCTCGAGGAAGCGTACCCCTCGCCA[G>C]ATCTCTTGGTGCACCTGCGCCCCTGTCCCTGGCCTTTTCGAGGATGCCCCGATAGCCTGC-3'

ClinVar aggregate classification (germline): Likely benign (1 of 4 stars; one submission).

gnomAD v4.1: 618 of 389,474 alleles (0.16%); highest among the groups gnomAD compares: African/African-American, 1%; 8 homozygotes.

Submission:

CeGaT Center for Human Genetics Tuebingen
Classification: Likely benign. Last evaluated: 2026-04-01. Review status: criteria provided, single submitter. Criteria: CeGaT Center For Human Genetics Tuebingen Variant Classification Criteria Version 2. Collection method: clinical testing. Allele origin: germline. Affected: yes. Observed: 1 variant allele.
Comment: KLHL1: BS2